The following is an entry in ClinVar:

ClinVar aggregate classification (germline): Uncertain significance. Review status: criteria provided, multiple submitters, no conflicts (2 of 4 stars). 5 submissions from 4 submitters: Uncertain significance (5). Last evaluated 2024-11-11.

Conditions:
Usher syndrome type 2D. Also called: USHER SYNDROME, TYPE IID. Identifiers: Orphanet 231178, Orphanet 886, MedGen C1568249, MONDO:0012662, OMIM 611383.
Autosomal recessive nonsyndromic hearing loss 31. Also called: WHIRLER, MOUSE, HOMOLOG OF. Identifiers: Orphanet 90636, MedGen C1846839, MONDO:0011767, OMIM 607084.

Allele frequency attached by ClinVar (database versions not stated): gnomAD 0.00006 and 0.00007; gnomAD exomes 0.00008 and 0.00024; TOPMed 0.00008; ExAC 0.00009; 1000 Genomes Project 30x 0.00016; 1000 Genomes Project 0.00020; ESP Exome Variant Server 0.00023.
gnomAD v4.1: 353 of 1,613,322 alleles (0.022%); highest among the groups gnomAD compares: Non-Finnish European, 0.028%; no homozygotes.

Submissions (5):

Labcorp Genetics (formerly Invitae), Labcorp
Classification: Uncertain significance. Last evaluated: 2024-11-11. Review status: criteria provided, single submitter. Criteria: Invitae Variant Classification Sherloc (09022015). Collection method: clinical testing. Allele origin: germline.
Comment: This sequence change replaces tyrosine, which is neutral and polar, with cysteine, which is neutral and slightly polar, at codon 444 of the WHRN protein (p.Tyr444Cys). This variant is present in population databases (rs45530335, gnomAD 0.01%). This variant has not been reported in the literature in individuals affected with WHRN-related conditions. ClinVar contains an entry for this variant (Variation ID: 364690). An algorithm developed to predict the effect of missense changes on protein structure and function (PolyPhen-2) suggests that this variant is likely to be disruptive. In summary, the available evidence is currently insufficient to determine the role of this variant in disease. Therefore, it has been classified as a Variant of Uncertain Significance.

GeneDx
Classification: Uncertain significance. Last evaluated: 2024-11-07. Review status: criteria provided, single submitter. Criteria: GeneDx Variant Classification Process June 2021. Collection method: clinical testing. Allele origin: germline. Affected: yes.
Comment: In silico analysis supports that this missense variant has a deleterious effect on protein structure/function; Has not been previously published as pathogenic or benign to our knowledge

Blueprint Genetics
Classification: Uncertain significance. Last evaluated: 2022-11-09. Review status: criteria provided, single submitter. Criteria: ACMG Guidelines, 2015. Collection method: clinical testing. Allele origin: germline.

Illumina Laboratory Services, Illumina
Classification: Uncertain significance for Autosomal recessive nonsyndromic hearing loss 31. Last evaluated: 2018-01-13. Review status: criteria provided, single submitter. Criteria: ICSL Variant Classification Criteria 13 December 2019. Collection method: clinical testing. Allele origin: germline.

Illumina Laboratory Services, Illumina
Classification: Uncertain significance for Usher syndrome type 2D. Last evaluated: 2018-01-13. Review status: criteria provided, single submitter. Criteria: ICSL Variant Classification Criteria 13 December 2019. Collection method: clinical testing. Allele origin: germline.

NM_015404.4(WHRN):c.1331A>G (p.Tyr444Cys)

Gene: WHRN (whirlin; minus strand). Cytogenetic location: 9q32.
Variant type: single nucleotide variant.
Coding change: c.1331A>G on transcript NM_015404.4 (MANE Select); coding-DNA position 1331, A replaced by G.
Protein change: p.Tyr444Cys; replaces tyrosine 444 with cysteine.
Molecular consequence: missense variant.
Genome position (GRCh38, 1-based): chr9:114,424,419, T>C on the plus strand (A>G on the coding strand, the complement: WHRN is on the minus strand). VCF-style: chr9-114424419-T-C. GRCh37 (hg19) VCF-style: chr9-117186699-T-C.
Other names: c.1331A>G (NM_015404.2); c.182A>G, p.Tyr61Cys (NM_001083885.3); c.1331A>G, p.Tyr444Cys (NM_001173425.2); c.278A>G, p.Tyr93Cys (NM_001346890.1); short protein forms Y444C, Y93C, Y61C.
Identifiers: ClinVar variation 364690 (VCV000364690.12), dbSNP rs45530335, ClinGen allele CA5205986.
Genomic context (GRCh38, chr9:114,424,419, plus strand): 5'-AACAGGGCCATGACGAGGGCCTCCACAGAGACGCTGCCACCACGGTACTCATCCAGGTAG[T>C]AGGCCATGGTGGCGTGTTCCTGCTCGTTCAGCAGGTGCCGAGCCTGCTCCTCCAGCAGCA-3'
Protein context (NP_056219.3, residues 434-454): LNEQEHATMA[Tyr444Cys]YLDEYRGGSV